The following is an entry in ClinVar:

ClinVar aggregate classification (germline): Benign/Likely benign. Review status: criteria provided, multiple submitters, no conflicts (2 of 4 stars). 4 submissions from 4 submitters: Benign (1); Likely benign (2). 1 of the submissions does not count toward it. Last evaluated 2019-12-31.

Conditions:
RIPK4-related disorder. Also called: RIPK4-related condition.
Bartsocas-Papas syndrome 1. Also called: Bartsocas-Papas syndrome; MULTIPLE PTERYGIUM SYNDROME, ASLAN TYPE; PTERYGIUM, POPLITEAL, LETHAL TYPE. Identifiers: Orphanet 1234, MedGen C1849718, MONDO:0009901, OMIM 263650.

Allele frequency attached by ClinVar (database versions not stated): gnomAD exomes 0.00072 and 0.00139; ExAC 0.00142; ESP Exome Variant Server 0.00238; gnomAD 0.00280 and 0.00290; 1000 Genomes Project 0.00359; TOPMed 0.00363; 1000 Genomes Project 30x 0.00375.
gnomAD v4.1: 1,541 of 1,609,710 alleles (0.096%); highest among the groups gnomAD compares: African/African-American, 0.77%; 8 homozygotes.

Submissions (4):

Labcorp Genetics (formerly Invitae), Labcorp
Classification: Benign. Last evaluated: 2019-12-31. Review status: criteria provided, single submitter. Criteria: Invitae Variant Classification Sherloc (09022015). Collection method: clinical testing. Allele origin: germline.

Illumina Laboratory Services, Illumina
Classification: Likely benign for Bartsocas-Papas syndrome 1. Last evaluated: 2018-01-13. Review status: criteria provided, single submitter. Criteria: ICSL Variant Classification Criteria 13 December 2019. Collection method: clinical testing. Allele origin: germline.
Comment: This variant was observed in the ICSL laboratory as part of a predisposition screen in an ostensibly healthy population. It had not been previously curated by ICSL or reported in the Human Gene Mutation Database (HGMD: prior to June 1st, 2018), and was therefore a candidate for classification through an automated scoring system. Utilizing variant allele frequency, disease prevalence and penetrance estimates, and inheritance mode, an automated score was calculated to assess if this variant is too frequent to cause the disease. Based on the score and internal cut-off values, a variant classified as likely benign is not then subjected to further curation. The score for this variant resulted in a classification of likely benign for this disease.

Breakthrough Genomics
Classification: Likely benign. Review status: criteria provided, single submitter. Criteria: ACMG Guidelines, 2015. Collection method: not provided. Allele origin: germline. Inheritance: Autosomal recessive inheritance. Affected: yes.

PreventionGenetics, part of Exact Sciences
Classification: Likely benign for RIPK4-related condition. Last evaluated: 2019-11-01. Review status: no assertion criteria provided. Collection method: clinical testing. Allele origin: germline. Not counted in ClinVar's aggregate classification.
Comment: This variant is classified as likely benign based on ACMG/AMP sequence variant interpretation guidelines (Richards et al. 2015 PMID: 25741868, with internal and published modifications).

NM_020639.3(RIPK4):c.819G>A (p.Arg273=)

Gene: RIPK4 (receptor interacting serine/threonine kinase 4; minus strand). Cytogenetic location: 21q22.3.
Variant type: single nucleotide variant.
Coding change: c.819G>A on transcript NM_020639.3 (MANE Select); coding-DNA position 819, G replaced by A.
Protein change: p.Arg273=; no amino-acid change (arginine 273 retained).
Molecular consequence: synonymous variant.
Genome position (GRCh38, 1-based): chr21:41,746,626, C>T on the plus strand (G>A on the coding strand, the complement: RIPK4 is on the minus strand). VCF-style: chr21-41746626-C-T. GRCh37 (hg19) VCF-style: chr21-43166786-C-T.
Identifiers: ClinVar variation 340027 (VCV000340027.12), dbSNP rs139503982, ClinGen allele CA10035606.
Genomic context (GRCh38, chr21:41,746,626, plus strand): 5'-TCCTGTGACACCCACAGAATGTGGCGGGGAGACCCCGGGGTGCTCACCTTGGAAGGTGGG[C>T]CTAACTCGCGGATCCCCCTGCCAGCACCGCTGCATGAGGCGTATCAGGTGGCTGCAGGCG-3'
Protein context (NP_065690.2, residues 263-283): QRCWQGDPRV[Arg273=]PTFQEITSET